The following is an entry in ClinVar:

ClinVar aggregate classification (germline): Uncertain significance (1 of 4 stars; one submission).

Conditions:
Bardet-Biedl syndrome 16 (BBS16). Identifiers: Orphanet 110, MedGen C3889474, MONDO:0014444, OMIM 615993.
Senior-Loken syndrome 7 (SLSN7). Identifiers: Orphanet 3156, MedGen C3150877, MONDO:0013326, OMIM 613615.

Submission:

Labcorp Genetics (formerly Invitae), Labcorp
Classification: Uncertain significance for Bardet-Biedl syndrome 16; Senior-Loken syndrome 7. Last evaluated: 2022-02-18. Review status: criteria provided, single submitter. Criteria: Invitae Variant Classification Sherloc (09022015). Collection method: clinical testing. Allele origin: germline.
Comment: In summary, the available evidence is currently insufficient to determine the role of this variant in disease. Therefore, it has been classified as a Variant of Uncertain Significance. Experimental studies and prediction algorithms are not available or were not evaluated, and the functional significance of this variant is currently unknown. This variant has not been reported in the literature in individuals affected with SDCCAG8-related conditions. This variant is a gross deletion of the genomic region encompassing exon(s) 14-16 of the SDCCAG8 gene. This variant would be expected to be in-frame, preserving the integrity of the reading frame.

NC_000001.10:g.(?_243578984)_(243589880_?)del

Gene: SDCCAG8 (SHH signaling and ciliogenesis regulator SDCCAG8; plus strand). Cytogenetic location: 1q43.
Variant type: Deletion.
Identifiers: ClinVar variation 1433324 (VCV001433324.5).